The following is an entry in ClinVar:

NM_152268.4(PARS2):c.323A>G (p.Glu108Gly)

Gene: PARS2 (prolyl-tRNA synthetase 2, mitochondrial; minus strand). Cytogenetic location: 1p32.3.
Variant type: single nucleotide variant.
Coding change: c.323A>G on transcript NM_152268.4 (MANE Select); coding-DNA position 323, A replaced by G.
Protein change: p.Glu108Gly; replaces glutamic acid 108 with glycine.
Molecular consequence: missense variant.
Genome position (GRCh38, 1-based): chr1:54,758,839, T>C on the plus strand (A>G on the coding strand, the complement: PARS2 is on the minus strand). VCF-style: chr1-54758839-T-C. GRCh37 (hg19) VCF-style: chr1-55224512-T-C.
Other names: short protein forms E108G.
Identifiers: ClinVar variation 520549 (VCV000520549.9), dbSNP rs149840204, ClinGen allele CA869505.

ClinVar aggregate classification (germline): Uncertain significance. Review status: criteria provided, multiple submitters, no conflicts (2 of 4 stars). 4 submissions from 4 submitters: Uncertain significance (4). Last evaluated 2024-10-08.

Conditions:
Inborn genetic diseases. Identifiers: MedGen C0950123, MeSH D030342.

Allele frequency attached by ClinVar (database versions not stated): TOPMed 0.00011; gnomAD 0.00012 and 0.00013; gnomAD exomes 0.00013 and 0.00017; ExAC 0.00014; ESP Exome Variant Server 0.00015; 1000 Genomes Project 0.00020; 1000 Genomes Project 30x 0.00031.

Submissions (4):

Blueprint Genetics
Classification: Uncertain significance. Last evaluated: 2024-10-08. Review status: criteria provided, single submitter. Criteria: ACMG Guidelines, 2015. Collection method: clinical testing. Allele origin: germline.

GeneDx
Classification: Uncertain significance. Last evaluated: 2024-09-11. Review status: criteria provided, single submitter. Criteria: GeneDx Variant Classification Process June 2021. Collection method: clinical testing. Allele origin: germline. Affected: yes.
Comment: In silico analysis supports that this missense variant has a deleterious effect on protein structure/function; Has not been previously published as pathogenic or benign to our knowledge

Labcorp Genetics (formerly Invitae), Labcorp
Classification: Uncertain significance. Last evaluated: 2023-10-03. Review status: criteria provided, single submitter. Criteria: Invitae Variant Classification Sherloc (09022015). Collection method: clinical testing. Allele origin: germline.
Comment: This sequence change replaces glutamic acid, which is acidic and polar, with glycine, which is neutral and non-polar, at codon 108 of the PARS2 protein (p.Glu108Gly). This variant is present in population databases (rs149840204, gnomAD 0.02%). This variant has not been reported in the literature in individuals affected with PARS2-related conditions. ClinVar contains an entry for this variant (Variation ID: 520549). An algorithm developed to predict the effect of missense changes on protein structure and function (PolyPhen-2) suggests that this variant is likely to be disruptive. In summary, the available evidence is currently insufficient to determine the role of this variant in disease. Therefore, it has been classified as a Variant of Uncertain Significance.

Ambry Genetics
Classification: Uncertain significance for Inborn genetic diseases. Last evaluated: 2021-08-23. Review status: criteria provided, single submitter. Criteria: Ambry Variant Classification Scheme 2023. Collection method: clinical testing. Allele origin: germline.
Comment: The c.323A>G (p.E108G) alteration is located in exon 2 (coding exon 1) of the PARS2 gene. This alteration results from a A to G substitution at nucleotide position 323, causing the glutamic acid (E) at amino acid position 108 to be replaced by a glycine (G). The heterozygous missense change is ultra rare in population databases:_x000D_ Based on data from the NHLBI Exome Sequencing Project (ESP), the PARS2 c.323A>G alteration was observed in 2 among 13,006 total alleles studied (0.02%). The c.323A>G alteration was observed in 17 out of 121,396 total alleles (0.01%) studied in the Exome Aggregation Consortium (ExAC) database. This variant is reported in the Database of Single Nucleotide Polymorphisms (dbSNP) as rs149840204. Rare missense alleles commonly exhibit a deleterious effect on protein function (Kryukov, 2007; Tennessen, 2012; please note that some variants may appear to be rare due to ethnic underrepresentation in the database)._x000D_ IF USED, PULL THESE INTO REFERENCES:_x000D_ Kryukov GV, et al. (2007) Am J Hum Genet 80:727-739. Tennessen JA, et al. (2012) Science 337(64):64-69. The altered amino acid is conserved throughout evolution:_x000D_ The p.E108 amino acid is highly conserved in available vertebrate species. The alteration is predicted deleterious by in silico models:_x000D_ The p.E108G alteration is predicted to be probably damaging by Polyphen and deleterious by SIFT in silico analyses. Based on insufficient or conflicting evidence, the clinical significance of this alteration remains unclear.